The following is an entry in ClinVar:

ClinVar aggregate classification (germline): Uncertain significance (1 of 4 stars; one submission).

Conditions:
Intellectual developmental disorder, X-linked, syndromic 33. Also called: Intellectual disability, X-linked, syndromic 33; X-linked intellectual disability-global development delay-facial dysmorphism-sacral caudal remnant syndrome. Identifiers: Orphanet 480907, MedGen C4225418, MONDO:0010500, OMIM 300966.

Submission:

3billion
Classification: Uncertain significance for Intellectual developmental disorder, X-linked, syndromic 33. Last evaluated: 2023-08-23. Review status: criteria provided, single submitter. Criteria: ACMG Guidelines, 2015. Collection method: clinical testing. Allele origin: germline. Affected: yes.
Comment: The variant is not observed in the gnomAD v2.1.1 dataset. Predicted Consequence/Location: Missense changes are a common disease-causing mechanism. Therefore, this variant is classified as VUS according to the recommendation of ACMG/AMP guideline.

NM_004606.5(TAF1):c.3361G>A (p.Glu1121Lys)

Gene: TAF1 (TATA-box binding protein associated factor 1; plus strand). Cytogenetic location: Xq13.1.
Variant type: single nucleotide variant.
Coding change: c.3361G>A on transcript NM_004606.5 (MANE Select); coding-DNA position 3361, G replaced by A.
Protein change: p.Glu1121Lys; replaces glutamic acid 1121 with lysine.
Molecular consequence: missense variant. On other transcripts: non-coding transcript variant (9).
Genome position (GRCh38, 1-based): chrX:71,394,200, G>A. VCF-style: chrX-71394200-G-A. GRCh37 (hg19) VCF-style: chrX-70614050-G-A.
Other names: c.3361G>A, p.Glu1121Lys (NM_001286074.2); c.3298G>A, p.Glu1100Lys (NM_138923.4); short protein forms E1100K, E1121K.
Identifiers: ClinVar variation 3776153 (VCV003776153.1).